The following is an entry in ClinVar:

ClinVar aggregate classification (germline): Pathogenic (1 of 4 stars; one submission).

Conditions:
Hereditary cancer-predisposing syndrome. Also called: Neoplastic Syndromes, Hereditary; Tumor predisposition; Hereditary Cancer Syndrome; Hereditary neoplastic syndrome. Identifiers: Orphanet 140162, MedGen C0027672, MeSH D009386, MONDO:0015356.

Submission:

Ambry Genetics
Classification: Pathogenic for Hereditary cancer-predisposing syndrome. Last evaluated: 2021-10-17. Review status: criteria provided, single submitter. Criteria: Ambry Variant Classification Scheme 2023. Collection method: clinical testing. Allele origin: germline.
Comment: The p.R74* pathogenic mutation (also known as c.220A>T), located in coding exon 2 of the FH gene, results from an A to T substitution at nucleotide position 220. This changes the amino acid from an arginine to a stop codon within coding exon 2. This variant is considered to be rare based on population cohorts in the Genome Aggregation Database (gnomAD). This alteration is expected to result in loss of function by premature protein truncation or nonsense-mediated mRNA decay. As such, this alteration is interpreted as a disease-causing mutation.

NM_000143.4(FH):c.220A>T (p.Arg74Ter)

Gene: FH (fumarate hydratase; minus strand). Cytogenetic location: 1q43.
Variant type: single nucleotide variant.
Coding change: c.220A>T on transcript NM_000143.4 (MANE Select); coding-DNA position 220, A replaced by T.
Protein change: p.Arg74Ter; replaces arginine 74 with a stop codon.
Molecular consequence: nonsense.
Genome position (GRCh38, 1-based): chr1:241,517,229, T>A on the plus strand (A>T on the coding strand, the complement: FH is on the minus strand). VCF-style: chr1-241517229-T-A. GRCh37 (hg19) VCF-style: chr1-241680529-T-A.
Other names: short protein forms R74*.
Identifiers: ClinVar variation 1787736 (VCV001787736.2), dbSNP rs2147925168, ClinGen allele CA345441788.
Genomic context (GRCh38, chr1:241,517,229, plus strand): 5'-AAATGCCACTTACTGGCATGCGTTCTGTCACACCTCCAATCTTAAAGTTCATCGTAGATC[T>A]CACGGTCTGGGCGCCATAATACTTATCATTTGGCACCTTTAGTTCACCAAAGGTATCATA-3'